The following is an entry in ClinVar:

NM_001453.3(FOXC1):c.1235T>G (p.Leu412Trp)

Gene: FOXC1 (forkhead box C1; plus strand). Cytogenetic location: 6p25.3.
Variant type: single nucleotide variant.
Coding change: c.1235T>G on transcript NM_001453.3 (MANE Select); coding-DNA position 1235, T replaced by G.
Protein change: p.Leu412Trp; replaces leucine 412 with tryptophan.
Molecular consequence: missense variant.
Genome position (GRCh38, 1-based): chr6:1,611,680, T>G. VCF-style: chr6-1611680-T-G. GRCh37 (hg19) VCF-style: chr6-1611915-T-G.
Other names: c.1235T>G (NM_001453.2); short protein forms L412W.
Identifiers: ClinVar variation 2064131 (VCV002064131.6), dbSNP rs1401137904, ClinGen allele CA362560501.
Genomic context (GRCh38, chr6:1,611,680, plus strand): 5'-CCTACCACTGCAACCTGCAAGCCATGAGCCTGTACGCGGCCGGCGAGCGCGGGGGCCACT[T>G]GCAGGGCGCGCCCGGGGGCGCGGGCGGCTCGGCCGTGGACGACCCCCTGCCCGACTACTC-3'
Protein context (NP_001444.2, residues 402-422): LYAAGERGGH[Leu412Trp]QGAPGGAGGS

ClinVar aggregate classification (germline): Uncertain significance. Review status: criteria provided, multiple submitters, no conflicts (2 of 4 stars). 3 submissions from 3 submitters: Uncertain significance (3). Last evaluated 2025-11-28.

Conditions:
Inborn genetic diseases. Identifiers: MedGen C0950123, MeSH D030342.
Axenfeld-Rieger syndrome type 3 (RIEG3). Also called: AXENFELD-RIEGER ANOMALY WITH CARDIAC DEFECTS AND/OR SENSORINEURAL HEARING LOSS. Identifiers: Orphanet 782, MedGen C2678503, MONDO:0011233, OMIM 602482.
Anterior segment dysgenesis 3 (ASGD3). Also called: Glaucoma iridogoniodysplasia, familial; IRIDOGONIODYSGENESIS ANOMALY, AUTOSOMAL DOMINANT. Identifiers: Orphanet 91483, MedGen C5975707, MONDO:0024456, OMIM 601631.

Allele frequency attached by ClinVar (database versions not stated): gnomAD exomes below 0.00001.
gnomAD v4.1: 3 of 1,411,462 alleles (0.00021%); highest among the groups gnomAD compares: Admixed American, 0.0061%; no homozygotes.

Submissions (3):

Labcorp Genetics (formerly Invitae), Labcorp
Classification: Uncertain significance for Axenfeld-Rieger syndrome type 3. Last evaluated: 2025-11-28. Review status: criteria provided, single submitter. Criteria: Invitae Variant Classification Sherloc (09022015). Collection method: clinical testing. Allele origin: germline.
Comment: This sequence change replaces leucine, which is neutral and non-polar, with tryptophan, which is neutral and slightly polar, at codon 412 of the FOXC1 protein (p.Leu412Trp). This variant is present in population databases (no rsID available, gnomAD 0.01%). This variant has not been reported in the literature in individuals affected with FOXC1-related conditions. ClinVar contains an entry for this variant (Variation ID: 2064131). An algorithm developed to predict the effect of missense changes on protein structure and function (PolyPhen-2) suggests that this variant is likely to be disruptive. In summary, the available evidence is currently insufficient to determine the role of this variant in disease. Therefore, it has been classified as a Variant of Uncertain Significance.

Ambry Genetics
Classification: Uncertain significance for Inborn genetic diseases. Last evaluated: 2025-10-29. Review status: criteria provided, single submitter. Criteria: Ambry Variant Classification Scheme 2023. Collection method: clinical testing. Allele origin: germline.

Fulgent Genetics
Classification: Uncertain significance for Anterior segment dysgenesis 3; Axenfeld-Rieger syndrome type 3. Last evaluated: 2024-06-03. Review status: criteria provided, single submitter. Criteria: ACMG Guidelines, 2015. Collection method: clinical testing. Allele origin: germline.